The following is an entry in ClinVar:

NM_144670.6(A2ML1):c.964G>A (p.Gly322Arg)

Gene: A2ML1 (alpha-2-macroglobulin like 1; plus strand). Cytogenetic location: 12p13.31.
Variant type: single nucleotide variant.
Coding change: c.964G>A on transcript NM_144670.6 (MANE Select); coding-DNA position 964, G replaced by A.
Protein change: p.Gly322Arg; replaces glycine 322 with arginine.
Molecular consequence: missense variant.
Genome position (GRCh38, 1-based): chr12:8,838,444, G>A. VCF-style: chr12-8838444-G-A. GRCh37 (hg19) VCF-style: chr12-8991040-G-A.
Other names: short protein forms G322R.
Identifiers: ClinVar variation 963431 (VCV000963431.9), dbSNP rs751287968, ClinGen allele CA232672304.

ClinVar aggregate classification (germline): Uncertain significance (1 of 4 stars; one submission).

Allele frequency attached by ClinVar (database versions not stated): TOPMed below 0.00001; gnomAD 0.00001.
gnomAD v4.1: 43 of 1,613,094 alleles (0.0027%); highest among the groups gnomAD compares: Non-Finnish European, 0.0034%; no homozygotes.

Submission:

Labcorp Genetics (formerly Invitae), Labcorp
Classification: Uncertain significance. Last evaluated: 2026-01-26. Review status: criteria provided, single submitter. Criteria: Invitae Variant Classification Sherloc (09022015). Collection method: clinical testing. Allele origin: germline.
Comment: This sequence change replaces glycine, which is neutral and non-polar, with arginine, which is basic and polar, at codon 322 of the A2ML1 protein (p.Gly322Arg). This variant is present in population databases (rs751287968, gnomAD 0.004%). This variant has not been reported in the literature in individuals affected with A2ML1-related conditions. ClinVar contains an entry for this variant (Variation ID: 963431). An algorithm developed to predict the effect of missense changes on protein structure and function (PolyPhen-2) suggests that this variant is likely to be disruptive. In summary, the available evidence is currently insufficient to determine the role of this variant in disease. Therefore, it has been classified as a Variant of Uncertain Significance.